The following is an entry in ClinVar:

ClinVar aggregate classification (germline): Uncertain significance (1 of 4 stars; one submission).

Conditions:
Inborn genetic diseases. Identifiers: MedGen C0950123, MeSH D030342.

Submission:

Ambry Genetics
Classification: Uncertain significance for Inborn genetic diseases. Last evaluated: 2026-07-06. Review status: criteria provided, single submitter. Criteria: Ambry Variant Classification Scheme 2023. Collection method: clinical testing. Allele origin: germline.
Comment: The p.V145D variant (also known as c.434T>A), located in coding exon 2 of the ATP7B gene, results from a T to A substitution at nucleotide position 434. The valine at codon 145 is replaced by aspartic acid, an amino acid with highly dissimilar properties. This amino acid position is conserved. In addition, the in silico prediction for this alteration is inconclusive. Based on the available evidence, the clinical significance of this variant remains unclear.

NM_000053.4(ATP7B):c.434T>A (p.Val145Asp)

Gene: ATP7B (ATPase copper transporting beta; minus strand). Cytogenetic location: 13q14.3.
Variant type: single nucleotide variant.
Coding change: c.434T>A on transcript NM_000053.4 (MANE Select); coding-DNA position 434, T replaced by A.
Protein change: p.Val145Asp; replaces valine 145 with aspartic acid.
Molecular consequence: missense variant.
Genome position (GRCh38, 1-based): chr13:51,974,786, A>T on the plus strand (T>A on the coding strand, the complement: ATP7B is on the minus strand). VCF-style: chr13-51974786-A-T. GRCh37 (hg19) VCF-style: chr13-52548922-A-T.
Other names: c.434T>A, p.Val145Asp (NM_001243182.2, NM_001330578.2, NM_001330579.2 and 30 more transcripts); c.338T>A, p.Val113Asp (NM_001406517.1, NM_001406530.1, NM_001406536.1 and 4 more transcripts); short protein forms V113D, V145D.
Identifiers: ClinVar variation 5032385 (VCV005032385.1).
Genomic context (GRCh38, chr13:51,974,786, plus strand): 5'-ACCTTGCCTTCAATGGAGCTGACACAGGACTGGCAGGTCATGCCCTCCACCCGGAGCTTG[A>T]CCACAGCCTCCTGGGCAGGCAAGGACCTTGAGGGCCAGGAGGCTGCCTTTCCTTCTGCAA-3'
Protein context (NP_000044.2, residues 135-155): SRSLPAQEAV[Val145Asp]KLRVEGMTCQ